The following is an entry in ClinVar:

ClinVar aggregate classification (germline): Uncertain significance. Review status: criteria provided, multiple submitters, no conflicts (2 of 4 stars). 3 submissions from 3 submitters: Uncertain significance (3). Last evaluated 2025-08-29.

Conditions:
Congenital brain dysgenesis due to glutamine synthetase deficiency (GLND). Also called: GLUTAMINE SYNTHASE DEFICIENCY, CONGENITAL SYSTEMIC. Identifiers: Orphanet 71278, MedGen C1864910, MONDO:0012393, OMIM 610015.
Inborn genetic diseases. Identifiers: MedGen C0950123, MeSH D030342.

Allele frequency attached by ClinVar (database versions not stated): TOPMed 0.00012; gnomAD 0.00015 and 0.00016; gnomAD exomes 0.00021 and 0.00029; ESP Exome Variant Server 0.00023; 1000 Genomes Project 30x 0.00031; ExAC 0.00031.
gnomAD v4.1: 321 of 1,612,342 alleles (0.02%); highest among the groups gnomAD compares: Non-Finnish European, 0.022%; 1 homozygote.

Submissions (3):

Labcorp Genetics (formerly Invitae), Labcorp
Classification: Uncertain significance for Congenital brain dysgenesis due to glutamine synthetase deficiency. Last evaluated: 2025-08-29. Review status: criteria provided, single submitter. Criteria: Invitae Variant Classification Sherloc (09022015). Collection method: clinical testing. Allele origin: germline.
Comment: This sequence change replaces threonine, which is neutral and polar, with isoleucine, which is neutral and non-polar, at codon 116 of the GLUL protein (p.Thr116Ile). This variant is present in population databases (rs144782603, gnomAD 0.06%). This variant has not been reported in the literature in individuals affected with GLUL-related conditions. ClinVar contains an entry for this variant (Variation ID: 875902). Invitae Evidence Modeling of protein sequence and biophysical properties (such as structural, functional, and spatial information, amino acid conservation, physicochemical variation, residue mobility, and thermodynamic stability) indicates that this missense variant is not expected to disrupt GLUL protein function with a negative predictive value of 80%. In summary, the available evidence is currently insufficient to determine the role of this variant in disease. Therefore, it has been classified as a Variant of Uncertain Significance.

Ambry Genetics
Classification: Uncertain significance for Inborn genetic diseases. Last evaluated: 2025-03-19. Review status: criteria provided, single submitter. Criteria: Ambry Variant Classification Scheme 2023. Collection method: clinical testing. Allele origin: germline.
Comment: Unlikely to be causative of GLUL-related developmental and epileptic encephalopathy (AD) Based on insufficient or conflicting evidence, the clinical significance of this alteration remains unclear.

Illumina Laboratory Services, Illumina
Classification: Uncertain significance for Congenital brain dysgenesis due to glutamine synthetase deficiency. Last evaluated: 2018-01-12. Review status: criteria provided, single submitter. Criteria: ICSL Variant Classification Criteria 13 December 2019. Collection method: clinical testing. Allele origin: germline.

NM_001033044.4(GLUL):c.347C>T (p.Thr116Ile)

Genes: GLUL (glutamate-ammonia ligase; minus strand), LOC126805944 (CDK7 strongly-dependent group 2 enhancer GRCh37_chr1:182354799-182355998; plus strand). Cytogenetic location: 1q25.3.
Variant type: single nucleotide variant.
Coding change: c.347C>T on transcript NM_001033044.4 (MANE Select); coding-DNA position 347, C replaced by T.
Protein change: p.Thr116Ile; replaces threonine 116 with isoleucine.
Molecular consequence: missense variant.
Genome position (GRCh38, 1-based): chr1:182,386,384, G>A on the plus strand (C>T on the coding strand, the complement: GLUL is on the minus strand). VCF-style: chr1-182386384-G-A. GRCh37 (hg19) VCF-style: chr1-182355519-G-A.
Other names: c.347C>T, p.Thr116Ile (NM_001033056.4, NM_002065.7); short protein forms T116I.
Identifiers: ClinVar variation 875902 (VCV000875902.8), dbSNP rs144782603, ClinGen allele CA1277168.